The following is an entry in ClinVar:

NM_004656.4(BAP1):c.1916_1917del (p.Val639fs)

Gene: BAP1 (BRCA1 associated deubiquitinase 1; minus strand). Cytogenetic location: 3p21.1.
Variant type: Microsatellite.
Coding change: c.1916_1917del on transcript NM_004656.4 (MANE Select); coding-DNA positions 1916 to 1917, 2 bases deleted (TG; older notation c.1916_1917delTG).
Protein change: p.Val639fs; shifts the reading frame from valine 639.
Molecular consequence: frameshift variant.
Genome position (GRCh38, 1-based): chr3:52,402,845-52,402,846, CA deleted on the plus strand (TG on the coding strand, the reverse complement: BAP1 is on the minus strand); deleting any 2 consecutive bases within chr3:52,402,845-52,402,851 gives the same sequence; the c. name uses the placement nearest the transcript's 3' end. VCF-style (leftmost placement, unchanged base first): chr3-52402844-CCA-C. GRCh37 (hg19) VCF-style: chr3-52436860-CCA-C.
Other names: short protein forms V639fs.
Identifiers: ClinVar variation 1455291 (VCV001455291.11), dbSNP rs2153226324, ClinGen allele CA2580616479.

ClinVar aggregate classification (germline): Pathogenic. Review status: criteria provided, multiple submitters, no conflicts (2 of 4 stars). 2 submissions from 2 submitters: Pathogenic (2). Last evaluated 2025-07-28.

Conditions:
Hereditary cancer-predisposing syndrome. Also called: Tumor predisposition; Neoplastic Syndromes, Hereditary; Hereditary Cancer Syndrome; Hereditary neoplastic syndrome. Identifiers: Orphanet 140162, MedGen C0027672, MeSH D009386, MONDO:0015356.
BAP1-related tumor predisposition syndrome (TPDS1). Also called: Tumor susceptibility linked to germline BAP1 mutations; BAP1 tumor predisposition syndrome; COMMON Syndrome; TUMOR PREDISPOSITION SYNDROME 1. Identifiers: Orphanet 289539, MedGen C3280492, MONDO:0013692, OMIM 614327.

Submissions (2):

Ambry Genetics
Classification: Pathogenic for Hereditary cancer-predisposing syndrome. Last evaluated: 2025-07-28. Review status: criteria provided, single submitter. Criteria: Ambry Variant Classification Scheme 2023. Collection method: clinical testing. Allele origin: germline.
Comment: The c.1916_1917delTG pathogenic mutation, located in coding exon 15 of the BAP1 gene, results from a deletion of two nucleotides at nucleotide positions 1916 to 1917, causing a translational frameshift with a predicted alternate stop codon (p.V639Gfs*3). This alteration is expected to result in loss of function by premature protein truncation or nonsense-mediated mRNA decay. As such, this alteration is interpreted as a disease-causing mutation.

Labcorp Genetics (formerly Invitae), Labcorp
Classification: Pathogenic for BAP1-related tumor predisposition syndrome. Last evaluated: 2021-12-20. Review status: criteria provided, single submitter. Criteria: Invitae Variant Classification Sherloc (09022015). Collection method: clinical testing. Allele origin: germline.
Comment: For these reasons, this variant has been classified as Pathogenic. This premature translational stop signal has been observed in individual(s) with mesothelioma (PMID: 30517737). This variant is not present in population databases (gnomAD no frequency). This sequence change creates a premature translational stop signal (p.Val639Glyfs*3) in the BAP1 gene. It is expected to result in an absent or disrupted protein product. Loss-of-function variants in BAP1 are known to be pathogenic (PMID: 21874000, 23684012).

Literature cited by the submitters: PubMed 30517737 (cited by Labcorp Genetics (formerly Invitae), Labcorp); PubMed 21874000 (cited by Labcorp Genetics (formerly Invitae), Labcorp); PubMed 23684012 (cited by Labcorp Genetics (formerly Invitae), Labcorp).